The following is an entry in ClinVar:

NM_000256.3(MYBPC3):c.1176T>G (p.Ala392=)

Gene: MYBPC3 (myosin binding protein C3; minus strand). Cytogenetic location: 11p11.2.
Variant type: single nucleotide variant.
Coding change: c.1176T>G on transcript NM_000256.3 (MANE Select); coding-DNA position 1176, T replaced by G.
Protein change: p.Ala392=; no amino-acid change (alanine 392 retained).
Molecular consequence: synonymous variant.
Genome position (GRCh38, 1-based): chr11:47,343,539, A>C on the plus strand (T>G on the coding strand, the complement: MYBPC3 is on the minus strand). VCF-style: chr11-47343539-A-C. GRCh37 (hg19) VCF-style: chr11-47365090-A-C.
Identifiers: ClinVar variation 1740925 (VCV001740925.5), dbSNP rs1401258502, ClinGen allele CA474220476.

ClinVar aggregate classification (germline): Likely benign. Review status: criteria provided, multiple submitters, no conflicts (2 of 4 stars). 3 submissions from 3 submitters: Likely benign (3). Last evaluated 2023-08-08.

Conditions:
Cardiomyopathy (CMYO). Also called: Cardiomyopathies. Identifiers: Orphanet 167848, MedGen C0878544, MONDO:0004994, HP:0001638. Inheritance: Various modes of inheritance.
Cardiovascular phenotype. Identifiers: MedGen CN230736.
Hypertrophic cardiomyopathy. Also called: HYPERTROPHIC MYOCARDIOPATHY. Identifiers: Orphanet 217569, MedGen C0007194, MeSH D002312, MONDO:0005045, HP:0001639.

Allele frequency attached by ClinVar (database versions not stated): gnomAD 0.00001.
gnomAD v4.1: 1 of 1,608,002 alleles (0.000062%); highest among the groups gnomAD compares: Non-Finnish European, 0.000085%; no homozygotes.

Submissions (3):

All of Us Research Program, National Institutes of Health
Classification: Likely benign for Hypertrophic cardiomyopathy. Last evaluated: 2023-08-08. Review status: criteria provided, single submitter. Criteria: ACMG Guidelines, 2015. Collection method: clinical testing. Allele origin: germline. Inheritance: Autosomal dominant inheritance. Observed: 1 variant allele, 1 heterozygote.
Comment: This study involves interpretation of variants in research participants for the purpose of population health screening. Participant phenotype was not available at the time of variant classification. Additional details can be found in publication PMID: 35346344, PMCID: PMC8962531

Ambry Genetics
Classification: Likely benign for Cardiovascular phenotype. Last evaluated: 2022-08-16. Review status: criteria provided, single submitter. Criteria: Ambry Variant Classification Scheme 2023. Collection method: clinical testing. Allele origin: germline.

Color Diagnostics, LLC DBA Color Health
Classification: Likely benign for Cardiomyopathy. Last evaluated: 2021-08-30. Review status: criteria provided, single submitter. Criteria: ACMG Guidelines, 2015. Collection method: clinical testing. Allele origin: germline.